The following is an entry in ClinVar:

ClinVar aggregate classification (germline): Likely pathogenic (1 of 4 stars; one submission).

Conditions:
Carnitine acylcarnitine translocase deficiency (CACTD). Identifiers: Orphanet 159, MedGen C0342791, MONDO:0008918, OMIM 212138.

Allele frequency attached by ClinVar (database versions not stated): gnomAD exomes below 0.00001.
gnomAD v4.1: 3 of 1,599,718 alleles (0.00019%); highest among the groups gnomAD compares: Non-Finnish European, 0.00026%; no homozygotes.

Submission:

Labcorp Genetics (formerly Invitae), Labcorp
Classification: Likely pathogenic for Carnitine acylcarnitine translocase deficiency. Last evaluated: 2024-05-21. Review status: criteria provided, single submitter. Criteria: Invitae Variant Classification Sherloc (09022015). Collection method: clinical testing. Allele origin: germline.
Comment: This sequence change affects a donor splice site in intron 1 of the SLC25A20 gene. It is expected to disrupt RNA splicing. Variants that disrupt the donor or acceptor splice site typically lead to a loss of protein function (PMID: 16199547), and loss-of-function variants in SLC25A20 are known to be pathogenic (PMID: 25614308). This variant is not present in population databases (gnomAD no frequency). This variant has not been reported in the literature in individuals affected with SLC25A20-related conditions. Algorithms developed to predict the effect of sequence changes on RNA splicing suggest that this variant may disrupt the consensus splice site. In summary, the currently available evidence indicates that the variant is pathogenic, but additional data are needed to prove that conclusively. Therefore, this variant has been classified as Likely Pathogenic.

Literature cited by the submitters: PubMed 16199547; PubMed 25614308.

NM_000387.6(SLC25A20):c.105+2T>G

Gene: SLC25A20 (solute carrier family 25 member 20; minus strand). Cytogenetic location: 3p21.31.
Variant type: single nucleotide variant.
Coding change: c.105+2T>G on transcript NM_000387.6 (MANE Select); the canonical splice donor site of the intron after coding-DNA position 105, T replaced by G.
Molecular consequence: splice donor variant.
Genome position (GRCh38, 1-based): chr3:48,898,688, A>C on the plus strand (T>G on the coding strand, the complement: SLC25A20 is on the minus strand). VCF-style: chr3-48898688-A-C. GRCh37 (hg19) VCF-style: chr3-48936121-A-C.
Identifiers: ClinVar variation 2678864 (VCV002678864.4), dbSNP rs2470617928, ClinGen allele CA352638920.